The following is an entry in ClinVar:

ClinVar aggregate classification (germline): Conflicting classifications of pathogenicity. Review status: criteria provided, conflicting classifications (1 of 4 stars). 5 submissions from 5 submitters: Uncertain significance (1); Likely benign (4). Last evaluated 2025-09-14.

Conditions:
Spastic paraplegia. Identifiers: MedGen C0037772, HP:0001258.

Allele frequency attached by ClinVar (database versions not stated): ExAC 0.00029; gnomAD exomes 0.00035 and 0.00064; gnomAD 0.00042; ESP Exome Variant Server 0.00054; 1000 Genomes Project 0.00060; TOPMed 0.00065; 1000 Genomes Project 30x 0.00078.
gnomAD v4.1: 1,002 of 1,613,502 alleles (0.062%); highest among the groups gnomAD compares: Non-Finnish European, 0.078%; 2 homozygotes.

Submissions (5):

Labcorp Genetics (formerly Invitae), Labcorp
Classification: Likely benign for Spastic paraplegia. Last evaluated: 2025-09-14. Review status: criteria provided, single submitter. Criteria: Invitae Variant Classification Sherloc (09022015). Collection method: clinical testing. Allele origin: germline.

CeGaT Center for Human Genetics Tuebingen
Classification: Likely benign. Last evaluated: 2025-09-01. Review status: criteria provided, single submitter. Criteria: CeGaT Center For Human Genetics Tuebingen Variant Classification Criteria Version 2. Collection method: clinical testing. Allele origin: germline. Affected: yes. Observed: 2 variant alleles.
Comment: AP4E1: BP4, BP7

Blueprint Genetics
Classification: Likely benign. Last evaluated: 2024-11-18. Review status: criteria provided, single submitter. Criteria: ACMG Guidelines, 2015. Collection method: clinical testing. Allele origin: germline.

GeneDx
Classification: Likely benign. Last evaluated: 2021-04-25. Review status: criteria provided, single submitter. Criteria: GeneDx Variant Classification Process June 2021. Collection method: clinical testing. Allele origin: germline. Affected: yes.

Genetic Services Laboratory, University of Chicago
Classification: Uncertain significance. Last evaluated: 2015-02-10. Review status: criteria provided, single submitter. Criteria: ACMG Guidelines, 2015. Collection method: clinical testing. Allele origin: germline.

NM_007347.5(AP4E1):c.258T>C (p.Tyr86=)

Gene: AP4E1 (adaptor related protein complex 4 subunit epsilon 1; plus strand). Cytogenetic location: 15q21.2.
Variant type: single nucleotide variant.
Coding change: c.258T>C on transcript NM_007347.5 (MANE Select); coding-DNA position 258, T replaced by C.
Protein change: p.Tyr86=; no amino-acid change (tyrosine 86 retained).
Molecular consequence: synonymous variant.
Genome position (GRCh38, 1-based): chr15:50,915,483, T>C. VCF-style: chr15-50915483-T-C. GRCh37 (hg19) VCF-style: chr15-51207680-T-C.
Other names: c.33T>C, p.Tyr11= (NM_001252127.2).
Identifiers: ClinVar variation 210202 (VCV000210202.41), dbSNP rs143624283, ClinGen allele CA206980.